The following is an entry in ClinVar:

ClinVar aggregate classification (germline): Uncertain significance. Review status: criteria provided, multiple submitters, no conflicts (2 of 4 stars). 2 submissions from 2 submitters: Uncertain significance (2). Last evaluated 2025-10-01.

Conditions:
Werner syndrome (WRN). Identifiers: Orphanet 902, MedGen C0043119, MONDO:0010196, OMIM 277700.

Allele frequency attached by ClinVar (database versions not stated): TOPMed 0.00006; 1000 Genomes Project 30x 0.00016; gnomAD 0.00017; ESP Exome Variant Server 0.00023.

Submissions (2):

Labcorp Genetics (formerly Invitae), Labcorp
Classification: Uncertain significance for Werner syndrome. Last evaluated: 2025-10-01. Review status: criteria provided, single submitter. Criteria: Invitae Variant Classification Sherloc (09022015). Collection method: clinical testing. Allele origin: germline.
Comment: This sequence change replaces arginine, which is basic and polar, with histidine, which is basic and polar, at codon 149 of the WRN protein (p.Arg149His). This variant is present in population databases (rs61761625, gnomAD 0.03%). This variant has not been reported in the literature in individuals affected with WRN-related conditions. ClinVar contains an entry for this variant (Variation ID: 458485). An algorithm developed to predict the effect of missense changes on protein structure and function outputs the following: PolyPhen-2: "Benign". The histidine amino acid residue is found in multiple mammalian species, which suggests that this missense change does not adversely affect protein function. In summary, the available evidence is currently insufficient to determine the role of this variant in disease. Therefore, it has been classified as a Variant of Uncertain Significance.

Institute for Clinical Genetics, University Hospital TU Dresden, University Hospital TU Dresden
Classification: Uncertain significance. Last evaluated: 2021-11-03. Review status: criteria provided, single submitter. Criteria: ACMG Guidelines, 2015. Collection method: clinical testing. Allele origin: germline.

NM_000553.6(WRN):c.446G>A (p.Arg149His)

Gene: WRN (WRN RecQ like helicase; plus strand). Cytogenetic location: 8p12.
Variant type: single nucleotide variant.
Coding change: c.446G>A on transcript NM_000553.6 (MANE Select); coding-DNA position 446, G replaced by A.
Protein change: p.Arg149His; replaces arginine 149 with histidine.
Molecular consequence: missense variant.
Genome position (GRCh38, 1-based): chr8:31,065,005, G>A. VCF-style: chr8-31065005-G-A. GRCh37 (hg19) VCF-style: chr8-30922521-G-A.
Other names: short protein forms R149H.
Identifiers: ClinVar variation 458485 (VCV000458485.10), dbSNP rs61761625, ClinGen allele CA4704068.
Genomic context (GRCh38, chr8:31,065,005, plus strand): 5'-AAAATAAAGCAGTTAAAAAGGCAGGTGTAGGAATTGAAGGAGATCAGTGGAAACTTCTAC[G>A]TGACTTTGATATCAAATTGAAGAATTTTGTGGAGTTGACAGATGTTGCCAATAAAAAGGT-3'
Protein context (NP_000544.2, residues 139-159): GIEGDQWKLL[Arg149His]DFDIKLKNFV